The following is an entry in ClinVar:

ClinVar aggregate classification (germline): Likely pathogenic (1 of 4 stars; one submission).

Conditions:
Landau-Kleffner syndrome (FESD). Also called: EPILEPSY, FOCAL, WITH SPEECH DISORDER AND WITH OR WITHOUT MENTAL RETARDATION; APHASIA, ACQUIRED, WITH EPILEPSY. Identifiers: Orphanet 1945, Orphanet 725, Orphanet 98818, MedGen C0282512, MONDO:0009509, OMIM 245570.

Submission:

Rare Disease Center, Seoul National University Hospital
Classification: Likely pathogenic for Landau-Kleffner syndrome. Last evaluated: 2025-03-23. Review status: criteria provided, single submitter. Criteria: ACMG Guidelines, 2015. Collection method: provider interpretation. Allele origin: de novo. Affected: yes. Observed: 1 variant allele.
Comment: In addition, this variant is not present in population databases (gnomAD). Note: This variant was found in clinical genetic testing performed by one or more labs who may also submit to ClinVar. Therefore, any internal case data may overlap with the internal case data of other submitters. The classification and rationale are that of the Rare Disease Center, Seoul National University Hospital

NM_001134407.3(GRIN2A):c.2246C>T (p.Thr749Ile)

Gene: GRIN2A (glutamate ionotropic receptor NMDA type subunit 2A; minus strand). Cytogenetic location: 16p13.2.
Variant type: single nucleotide variant.
Coding change: c.2246C>T on transcript NM_001134407.3 (MANE Select); coding-DNA position 2246, C replaced by T.
Protein change: p.Thr749Ile; replaces threonine 749 with isoleucine.
Molecular consequence: missense variant.
Genome position (GRCh38, 1-based): chr16:9,798,387, G>A on the plus strand (C>T on the coding strand, the complement: GRIN2A is on the minus strand). VCF-style: chr16-9798387-G-A. GRCh37 (hg19) VCF-style: chr16-9892244-G-A.
Other names: c.2246C>T, p.Thr749Ile (NM_000833.5, NM_001134408.2); short protein forms T749I.
Identifiers: ClinVar variation 3901886 (VCV003901886.1).